The following is an entry in ClinVar:

NM_007294.4(BRCA1):c.1002del (p.Ser335fs)

Gene: BRCA1 (BRCA1 DNA repair associated; minus strand). Cytogenetic location: 17q21.31.
Variant type: Deletion.
Coding change: c.1002del on transcript NM_007294.4 (MANE Select); coding-DNA position 1002, one base deleted (C; older notation c.1002delC).
Protein change: p.Ser335fs; shifts the reading frame from serine 335.
Molecular consequence: frameshift variant. On other transcripts: intron variant (137).
Genome position (GRCh38, 1-based): chr17:43,094,529, G deleted on the plus strand (C on the coding strand, the reverse complement: BRCA1 is on the minus strand); the first of 3 consecutive G bases (chr17:43,094,529-43,094,531); deleting any one gives the same sequence. VCF-style (leftmost placement, unchanged base first): chr17-43094528-TG-T. GRCh37 (hg19) VCF-style: chr17-41246545-TG-T.
Other names: c.1002delC (NM_007294.3); c.789del, p.Ser264fs (NM_001407571.1, NM_001407853.1, NM_001407894.1 and 9 more transcripts); c.1002del, p.Ser335fs (NM_001407581.1, NM_001407582.1, NM_001407583.1 and 30 more transcripts); c.999del, p.Ser334fs (NM_001407587.1, NM_001407590.1, NM_001407591.1 and 22 more transcripts); c.993del, p.Ser332fs (NM_001407646.1, NM_001407647.1); c.879del, p.Ser294fs (NM_001407648.1, NM_001407664.1, NM_001407665.1 and 19 more transcripts); c.876del, p.Ser293fs (NM_001407649.1, NM_001407670.1, NM_001407671.1 and 11 more transcripts); c.924del, p.Ser309fs (NM_001407653.1, NM_001407654.1, NM_001407655.1 and 4 more transcripts); and 41 more; short protein forms S335fs, S288fs, S208fs, S247fs, S264fs, S267fs, S287fs, S332fs.
Identifiers: ClinVar variation 230126 (VCV000230126.7), dbSNP rs876658404, ClinGen allele CA10580686.
Genomic context (GRCh38, chr17:43,094,528, plus strand): 5'-TATTCCATTCTTTTCTCTCACACAGGGGATCAGCATTCAGATCTACCTTTTTTTCTGTGC[TG>T]GGAGTCCGCCTATCATTACATGTTTCCTTACTTCCAGCCCATCTGTTATGTTGGCTCCTT-3'

ClinVar aggregate classification (germline): Pathogenic. Review status: reviewed by expert panel (3 of 4 stars). 2 submissions from 2 submitters: Pathogenic (1). 1 of the submissions does not count toward it. Last evaluated 2017-12-15.

Conditions:
Breast-ovarian cancer, familial, susceptibility to, 1 (BROVCA1). Also called: BRCA1 Hereditary Breast and Ovarian Cancer; OVARIAN CANCER, SUSCEPTIBILITY TO. Identifiers: Orphanet 145, MedGen C2676676, MONDO:0011450, OMIM 604370. Disease mechanism: loss of function.
Hereditary cancer-predisposing syndrome. Also called: Tumor predisposition; Hereditary Cancer Syndrome; Neoplastic Syndromes, Hereditary; Hereditary neoplastic syndrome. Identifiers: Orphanet 140162, MedGen C0027672, MeSH D009386, MONDO:0015356.

Submissions (2):

Evidence-based Network for the Interpretation of Germline Mutant Alleles (ENIGMA)
Classification: Pathogenic for Breast-ovarian cancer, familial, susceptibility to, 1. Last evaluated: 2017-12-15. Review status: reviewed by expert panel. Criteria: ENIGMA BRCA1/2 Classification Criteria (2017-06-29). Collection method: curation. Allele origin: germline. Study: ENIGMA.
Comment: Variant allele predicted to encode a truncated non-functional protein.

Ambry Genetics
Classification: Pathogenic for Hereditary cancer-predisposing syndrome. Last evaluated: 2015-01-22. Review status: criteria provided, single submitter. Criteria: Ambry Variant Classification Scheme 2023. Collection method: clinical testing. Allele origin: germline. Not counted in ClinVar's aggregate classification.
Comment: The c.1002delC pathogenic mutation (also known as 1121delC), located in coding exon 9 of the BRCA1 gene, results from a deletion of one nucleotide at position 1002, causing a translational frameshift with a predicted alternate stop codon. Since frameshifts are typically deleterious in nature, this alteration is interpreted as a disease-causing mutation (ACMG Recommendations for Standards for Interpretation and Reporting of Sequence Variations. Revision 2007. Genet Med. 2008;10:294).

Literature cited by the submitters: PubMed 20104584 (cited by Ambry Genetics).